The following is an entry in ClinVar:

ClinVar aggregate classification (germline): Uncertain significance (1 of 4 stars; one submission).

Submission:

Labcorp Genetics (formerly Invitae), Labcorp
Classification: Uncertain significance. Last evaluated: 2023-09-19. Review status: criteria provided, single submitter. Criteria: Invitae Variant Classification Sherloc (09022015). Collection method: clinical testing. Allele origin: germline.
Comment: This variant is not present in population databases (gnomAD no frequency). This variant has not been reported in the literature in individuals affected with KMT2B-related conditions. Advanced modeling of protein sequence and biophysical properties (such as structural, functional, and spatial information, amino acid conservation, physicochemical variation, residue mobility, and thermodynamic stability) performed at Invitae indicates that this missense variant is not expected to disrupt KMT2B protein function. In summary, the available evidence is currently insufficient to determine the role of this variant in disease. Therefore, it has been classified as a Variant of Uncertain Significance. This sequence change replaces glutamine, which is neutral and polar, with histidine, which is basic and polar, at codon 2368 of the KMT2B protein (p.Gln2368His).

NM_014727.3(KMT2B):c.7104G>T (p.Gln2368His)

Gene: KMT2B (lysine methyltransferase 2B; plus strand). Cytogenetic location: 19q13.12.
Variant type: single nucleotide variant.
Coding change: c.7104G>T on transcript NM_014727.3 (MANE Select); coding-DNA position 7104, G replaced by T.
Protein change: p.Gln2368His; replaces glutamine 2368 with histidine.
Molecular consequence: missense variant.
Genome position (GRCh38, 1-based): chr19:35,733,817, G>T. VCF-style: chr19-35733817-G-T. GRCh37 (hg19) VCF-style: chr19-36224718-G-T.
Other names: short protein forms Q2368H.
Identifiers: ClinVar variation 2785786 (VCV002785786.3), dbSNP rs1969819496, ClinGen allele CA405431909.